The following is an entry in ClinVar:

NM_000548.5(TSC2):c.1931G>A (p.Cys644Tyr)

Gene: TSC2 (TSC complex subunit 2; plus strand). Cytogenetic location: 16p13.3.
Variant type: single nucleotide variant.
Coding change: c.1931G>A on transcript NM_000548.5 (MANE Select); coding-DNA position 1931, G replaced by A.
Protein change: p.Cys644Tyr; replaces cysteine 644 with tyrosine.
Molecular consequence: missense variant.
Genome position (GRCh38, 1-based): chr16:2,071,601, G>A. VCF-style: chr16-2071601-G-A. GRCh37 (hg19) VCF-style: chr16-2121602-G-A.
Other names: c.1931G>A, p.Cys644Tyr (NM_001077183.3, NM_001114382.3, NM_001363528.2 and 3 more transcripts); c.1820G>A, p.Cys607Tyr (NM_001318827.2); c.1784G>A, p.Cys595Tyr (NM_001318829.2); c.1331G>A, p.Cys444Tyr (NM_001318831.2); c.1964G>A, p.Cys655Tyr (NM_001318832.2); c.1931G>A (NM_000548.4); short protein forms C444Y, C644Y, C607Y, C595Y, C655Y.
Identifiers: ClinVar variation 748540 (VCV000748540.21), dbSNP rs758301934, ClinGen allele CA034528.

ClinVar aggregate classification (germline): Conflicting classifications of pathogenicity. Review status: criteria provided, conflicting classifications (1 of 4 stars). 7 submissions from 7 submitters: Uncertain significance (2); Likely benign (5). Last evaluated 2026-01-05.

Conditions:
Hereditary cancer-predisposing syndrome. Also called: Hereditary neoplastic syndrome; Neoplastic Syndromes, Hereditary; Hereditary Cancer Syndrome; Tumor predisposition. Identifiers: Orphanet 140162, MedGen C0027672, MeSH D009386, MONDO:0015356.
Tuberous sclerosis syndrome (TSC). Also called: Tuberous Sclerosis Complex; Tuberous sclerosis. Identifiers: Orphanet 805, MedGen C0041341, MONDO:0001734.
Tuberous sclerosis 2 (TSC2). Identifiers: Orphanet 805, MedGen C1860707, MONDO:0013199, OMIM 613254.
TSC2-related disorder. Also called: TSC2-Related Disorders; TSC2-related condition.

Allele frequency attached by ClinVar (database versions not stated): gnomAD 0.00001; ExAC 0.00002; gnomAD exomes 0.00002 and 0.00004.
gnomAD v4.1: 23 of 1,613,286 alleles (0.0014%); highest among the groups gnomAD compares: South Asian, 0.025%; no homozygotes.

Submissions (7):

Labcorp Genetics (formerly Invitae), Labcorp
Classification: Likely benign for Tuberous sclerosis 2. Last evaluated: 2026-01-05. Review status: criteria provided, single submitter. Criteria: Invitae Variant Classification Sherloc (09022015). Collection method: clinical testing. Allele origin: germline.

PreventionGenetics, part of Exact Sciences
Classification: Likely benign for TSC2-related condition. Last evaluated: 2025-10-03. Review status: criteria provided, single submitter. Criteria: ACMG Guidelines, 2015. Collection method: clinical testing. Allele origin: germline.
Comment: This variant is classified as likely benign based on ACMG/AMP sequence variant interpretation guidelines (Richards et al. 2015 PMID: 25741868, with internal and published modifications).

Myriad Genetics, Inc.
Classification: Likely benign for Tuberous sclerosis 2. Last evaluated: 2024-08-12. Review status: criteria provided, single submitter. Criteria: Myriad Autosomal Dominant, Autosomal Recessive and X-Linked Classification Criteria (2023). Collection method: clinical testing. Allele origin: unknown.
Comment: This variant is considered likely benign. This variant has been observed at a population frequency that is significantly greater than expected given the associated disease prevalence and penetrance.

Color Diagnostics, LLC DBA Color Health
Classification: Uncertain significance for Tuberous sclerosis syndrome. Last evaluated: 2023-11-08. Review status: criteria provided, single submitter. Criteria: ACMG Guidelines, 2015. Collection method: clinical testing. Allele origin: germline.
Comment: This missense variant replaces cysteine with tyrosine at codon 644 of the TSC2 protein. Computational prediction suggests that this variant may have deleterious impact on protein structure and function. To our knowledge, functional studies have not been reported for this variant. This variant has not been reported in individuals affected with TSC2-related disorders in the literature. This variant has been identified in 10/250280 chromosomes in the general population by the Genome Aggregation Database (gnomAD). The available evidence is insufficient to determine the role of this variant in disease conclusively. Therefore, this variant is classified as a Variant of Uncertain Significance.

Revvity Omics, Revvity
Classification: Uncertain significance for Tuberous sclerosis 2. Last evaluated: 2022-07-12. Review status: criteria provided, single submitter. Criteria: ACMG Guidelines, 2015. Collection method: clinical testing. Allele origin: germline.

Ambry Genetics
Classification: Likely benign for Hereditary cancer-predisposing syndrome. Last evaluated: 2021-12-30. Review status: criteria provided, single submitter. Criteria: Ambry Variant Classification Scheme 2023. Collection method: clinical testing. Allele origin: germline.

Genome-Nilou Lab
Classification: Likely benign for Tuberous sclerosis 2. Last evaluated: 2021-11-07. Review status: criteria provided, single submitter. Criteria: ACMG Guidelines, 2015. Collection method: clinical testing. Allele origin: germline. Affected: no.